The following is an entry in ClinVar:

ClinVar aggregate classification (germline): Uncertain significance (1 of 4 stars; one submission).

Conditions:
Gorlin syndrome. Also called: Nevoid Basal Cell Carcinoma Syndrome; Basal cell nevus syndrome. Identifiers: Orphanet 377, MedGen C0004779, MONDO:0007187.

gnomAD v4.1: 1 of 1,613,810 alleles (0.000062%); highest among the groups gnomAD compares: Non-Finnish European, 0.000085%; no homozygotes.

Submission:

Labcorp Genetics (formerly Invitae), Labcorp
Classification: Uncertain significance for Gorlin syndrome. Last evaluated: 2022-05-28. Review status: criteria provided, single submitter. Criteria: Invitae Variant Classification Sherloc (09022015). Collection method: clinical testing. Allele origin: germline.
Comment: Algorithms developed to predict the effect of missense changes on protein structure and function are either unavailable or do not agree on the potential impact of this missense change (SIFT: "Deleterious"; PolyPhen-2: "Benign"; Align-GVGD: "Class C0"). This variant has not been reported in the literature in individuals affected with PTCH2-related conditions. This variant is not present in population databases (gnomAD no frequency). This sequence change replaces histidine, which is basic and polar, with arginine, which is basic and polar, at codon 1175 of the PTCH2 protein (p.His1175Arg). In summary, the available evidence is currently insufficient to determine the role of this variant in disease. Therefore, it has been classified as a Variant of Uncertain Significance.

NM_003738.5(PTCH2):c.3524A>G (p.His1175Arg)

Gene: PTCH2 (patched 2; minus strand). Cytogenetic location: 1p34.1.
Variant type: single nucleotide variant.
Coding change: c.3524A>G on transcript NM_003738.5 (MANE Select); coding-DNA position 3524, A replaced by G.
Protein change: p.His1175Arg; replaces histidine 1175 with arginine.
Molecular consequence: missense variant. On other transcripts: intron variant (1).
Genome position (GRCh38, 1-based): chr1:44,822,503, T>C on the plus strand (A>G on the coding strand, the complement: PTCH2 is on the minus strand). VCF-style: chr1-44822503-T-C. GRCh37 (hg19) VCF-style: chr1-45288175-T-C.
Other names: c.3425+99A>G (NM_001166292.2); short protein forms H1175R.
Identifiers: ClinVar variation 2050812 (VCV002050812.4), dbSNP rs2148871065, ClinGen allele CA340105443.
Genomic context (GRCh38, chr1:44,822,503, plus strand): 5'-GAACTGAGGTTGCCAGAGCTAGTGGCAGCAGGGGACCAAGGGGGCTCATCAGGGGCTGGA[T>C]GGATGTAGGCACCAGGCAGGGGGGGTGGGTGGATGGCCACGGTCATGGAGGTAGTCACTC-3'
Protein context (NP_003729.3, residues 1165-1185): HPPPLPGAYI[His1175Arg]PAPDEPPWSP